The following is an entry in ClinVar:

NM_007315.4(STAT1):c.*953G>T

Gene: STAT1 (signal transducer and activator of transcription 1; minus strand). Cytogenetic location: 2q32.2.
Variant type: single nucleotide variant.
Coding change: c.*953G>T on transcript NM_007315.4 (MANE Select); 953 bases downstream of the stop codon, G replaced by T.
Molecular consequence: 3 prime UTR variant.
Genome position (GRCh38, 1-based): chr2:190,969,750, C>A on the plus strand (G>T on the coding strand, the complement: STAT1 is on the minus strand). VCF-style: chr2-190969750-C-A. GRCh37 (hg19) VCF-style: chr2-191834476-C-A.
Other names: c.*953G>T (NM_001384880.1, NM_001384881.1, NM_001384882.1 and 9 more transcripts).
Identifiers: ClinVar variation 3389321 (VCV003389321.14).
Genomic context (GRCh38, chr2:190,969,750, plus strand): 5'-CTGATTCTCATATTATCTCTGGTGTATTATTCAAGTTGTCAGTTACTGCTTTTTCTACTC[C>A]TTTCCCAATTTTGTGGCTAATAGACTAAATACCACCCTAATAACAAAAAGGACAAAGTAG-3'

ClinVar aggregate classification (germline): Benign (1 of 4 stars; one submission).

gnomAD v4.1: 766 of 152,292 alleles (0.5%); highest among the groups gnomAD compares: African/African-American, 1.7%; 5 homozygotes.

Submission:

CeGaT Center for Human Genetics Tuebingen
Classification: Benign. Last evaluated: 2024-09-01. Review status: criteria provided, single submitter. Criteria: CeGaT Center For Human Genetics Tuebingen Variant Classification Criteria Version 2. Collection method: clinical testing. Allele origin: germline. Affected: yes. Observed: 1 variant allele.
Comment: STAT1: BS1, BS2